The following is an entry in ClinVar:

NM_020884.7(MYH7B):c.3554T>G (p.Leu1185Arg)

Gene: MYH7B (myosin heavy chain 7B; plus strand). Cytogenetic location: 20q11.22.
Variant type: single nucleotide variant.
Coding change: c.3554T>G on transcript NM_020884.7 (MANE Select); coding-DNA position 3554, T replaced by G.
Protein change: p.Leu1185Arg; replaces leucine 1185 with arginine.
Molecular consequence: missense variant.
Genome position (GRCh38, 1-based): chr20:34,997,447, T>G. VCF-style: chr20-34997447-T-G. GRCh37 (hg19) VCF-style: chr20-33585250-T-G.
Other names: short protein forms L1185R.
Identifiers: ClinVar variation 3687187 (VCV003687187.2).
Genomic context (GRCh38, chr20:34,997,447, plus strand): 5'-CGGGGCAGCGCGAGGGCTGCCGCAAGCGGGAGGCGGAGCTGGGGAGGCTGCGGCGGGAGC[T>G]GGAGGAGGCGGCGCTGCGGCACGAGGCCACAGTGGCGGCACTGCGGCGCAAGCAGGCGGA-3'
Protein context (NP_065935.4, residues 1175-1195): EAELGRLRRE[Leu1185Arg]EEAALRHEAT

ClinVar aggregate classification (germline): Uncertain significance (1 of 4 stars; one submission).

gnomAD v4.1: 5 of 1,480,556 alleles (0.00034%); highest among the groups gnomAD compares: South Asian, 0.0013%; no homozygotes.

Submission:

Labcorp Genetics (formerly Invitae), Labcorp
Classification: Uncertain significance. Last evaluated: 2024-10-29. Review status: criteria provided, single submitter. Criteria: Invitae Variant Classification Sherloc (09022015). Collection method: clinical testing. Allele origin: germline.
Comment: This sequence change replaces leucine, which is neutral and non-polar, with arginine, which is basic and polar, at codon 1227 of the MYH7B protein (p.Leu1227Arg). This variant is not present in population databases (gnomAD no frequency). This variant has not been reported in the literature in individuals affected with MYH7B-related conditions. Invitae Evidence Modeling of protein sequence and biophysical properties (such as structural, functional, and spatial information, amino acid conservation, physicochemical variation, residue mobility, and thermodynamic stability) indicates that this missense variant is expected to disrupt MYH7B protein function with a positive predictive value of 80%. In summary, the available evidence is currently insufficient to determine the role of this variant in disease. Therefore, it has been classified as a Variant of Uncertain Significance.